The following is an entry in ClinVar:

NM_001005361.3(DNM2):c.816G>A (p.Met272Ile)

Gene: DNM2 (dynamin 2; plus strand). Cytogenetic location: 19p13.2.
Variant type: single nucleotide variant.
Coding change: c.816G>A on transcript NM_001005361.3 (MANE Select); coding-DNA position 816, G replaced by A.
Protein change: p.Met272Ile; replaces methionine 272 with isoleucine.
Molecular consequence: missense variant.
Genome position (GRCh38, 1-based): chr19:10,783,087, G>A. VCF-style: chr19-10783087-G-A. GRCh37 (hg19) VCF-style: chr19-10893763-G-A.
Other names: c.816G>A, p.Met272Ile (NM_001005360.3, NM_001005362.3, NM_001190716.2 and 1 more transcripts); short protein forms M272I.
Identifiers: ClinVar variation 4694167 (VCV004694167.1).

ClinVar aggregate classification (germline): Uncertain significance (1 of 4 stars; one submission).

Conditions:
Charcot-Marie-Tooth disease dominant intermediate B (CMTDIB). Also called: CHARCOT-MARIE-TOOTH NEUROPATHY, DOMINANT INTERMEDIATE B; Charcot-Marie-Tooth disease dominant intermediate 1; CMT DI1; Charcot-Marie-Tooth disease dominant intermediate I. Identifiers: Orphanet 100044, Orphanet 228179, MedGen C1847902, MONDO:0011674, OMIM 606482.

Submission:

Labcorp Genetics (formerly Invitae), Labcorp
Classification: Uncertain significance for Charcot-Marie-Tooth disease dominant intermediate B. Last evaluated: 2025-10-06. Review status: criteria provided, single submitter. Criteria: Invitae Variant Classification Sherloc (09022015). Collection method: clinical testing. Allele origin: germline.
Comment: This sequence change replaces methionine, which is neutral and non-polar, with isoleucine, which is neutral and non-polar, at codon 272 of the DNM2 protein (p.Met272Ile). This variant is not present in population databases (gnomAD no frequency). This variant has not been reported in the literature in individuals affected with DNM2-related conditions. Invitae Evidence Modeling of protein sequence and biophysical properties (such as structural, functional, and spatial information, amino acid conservation, physicochemical variation, residue mobility, and thermodynamic stability) has been performed for this missense variant. However, the output from this modeling did not meet the statistical confidence thresholds required to predict the impact of this variant on DNM2 protein function. In summary, the available evidence is currently insufficient to determine the role of this variant in disease. Therefore, it has been classified as a Variant of Uncertain Significance.